The following is an entry in ClinVar:

ClinVar aggregate classification (germline): Uncertain significance (1 of 4 stars; one submission).

Conditions:
CEP164-related disorder. Also called: CEP164-related condition.

Submission:

PreventionGenetics, part of Exact Sciences
Classification: Uncertain significance for CEP164-related condition. Last evaluated: 2026-04-02. Review status: criteria provided, single submitter. Criteria: ACMG Guidelines, 2015. Collection method: clinical testing. Allele origin: germline.
Comment: The CEP164 c.821A>G variant is predicted to result in the amino acid substitution p.Asp274Gly. To our knowledge, this variant has not been reported in the literature or in a large population database (gnomAD), indicating this variant is rare. At this time, the clinical significance of this variant is uncertain due to the absence of conclusive functional and genetic evidence.

NM_014956.5(CEP164):c.821A>G (p.Asp274Gly)

Gene: CEP164 (centrosomal protein 164; plus strand). Cytogenetic location: 11q23.3.
Variant type: single nucleotide variant.
Coding change: c.821A>G on transcript NM_014956.5 (MANE Select); coding-DNA position 821, A replaced by G.
Protein change: p.Asp274Gly; replaces aspartic acid 274 with glycine.
Molecular consequence: missense variant.
Genome position (GRCh38, 1-based): chr11:117,371,135, A>G. VCF-style: chr11-117371135-A-G. GRCh37 (hg19) VCF-style: chr11-117241851-A-G.
Other names: c.821A>G, p.Asp274Gly (NM_001271933.2, NM_001440949.1, NM_001440950.1 and 16 more transcripts); c.743A>G, p.Asp248Gly (NM_001440952.1, NM_001440954.1, NM_001440955.1 and 17 more transcripts); c.683A>G, p.Asp228Gly (NM_001440960.1); short protein forms D248G, D228G, D274G.
Identifiers: ClinVar variation 4995576 (VCV004995576.1).